The following is an entry in ClinVar:

ClinVar aggregate classification (germline): Pathogenic (1 of 4 stars; one submission).

Conditions:
Waardenburg syndrome type 4C (WS4C). Also called: WAARDENBURG SYNDROME WITH HIRSCHSPRUNG DISEASE, TYPE 4C. Identifiers: Orphanet 897, MedGen C2750452, MONDO:0013202, OMIM 613266.

Submission:

Institute of Rare Diseases, West China Hospital, Sichuan University
Classification: Pathogenic for Waardenburg syndrome type 4C. Last evaluated: 2025-01-09. Review status: criteria provided, single submitter. Criteria: ClinGen HL ACMG Specifications v1. Collection method: research. Allele origin: germline. Affected: yes.
Comment: PM1;PVS1;PS2;PP4;PM2_Supporting

NM_006941.4(SOX10):c.318del (p.Pro107_Met108insTer)

Genes: POLR2F (RNA polymerase II, I and III subunit F; plus strand), SOX10 (SRY-box transcription factor 10; minus strand). Cytogenetic location: 22q13.1.
Variant type: Deletion.
Coding change: c.318del on transcript NM_006941.4 (MANE Select); coding-DNA position 318, one base deleted (G; older notation c.318delG).
Protein change: p.Pro107_Met108insTer.
Molecular consequence: frameshift variant. On other transcripts: intron variant (3).
Genome position (GRCh38, 1-based): chr22:37,983,467, C deleted on the plus strand (G on the coding strand, the reverse complement: SOX10 is on the minus strand); the first of 2 consecutive C bases (chr22:37,983,467-37,983,468); deleting either gives the same sequence. VCF-style (leftmost placement, unchanged base first): chr22-37983466-GC-G. GRCh37 (hg19) VCF-style: chr22-38379473-GC-G.
Other names: c.*38+11158del (NM_001363825.1); c.294-2686del (NM_001301130.2); c.293+16298del (NM_001301131.2).
Identifiers: ClinVar variation 3601817 (VCV003601817.1).